The following is an entry in ClinVar:

ClinVar aggregate classification (germline): Uncertain significance. Review status: criteria provided, multiple submitters, no conflicts (2 of 4 stars). 2 submissions from 2 submitters: Uncertain significance (2). Last evaluated 2024-11-08.

Conditions:
Inborn genetic diseases. Identifiers: MedGen C0950123, MeSH D030342.

Allele frequency attached by ClinVar (database versions not stated): ExAC 0.00001; gnomAD 0.00001; gnomAD exomes 0.00001; TOPMed 0.00002.
gnomAD v4.1: 8 of 1,598,072 alleles (0.0005%); highest among the groups gnomAD compares: Admixed American, 0.0017%; no homozygotes.

Submissions (2):

Ambry Genetics
Classification: Uncertain significance for Inborn genetic diseases. Last evaluated: 2024-11-08. Review status: criteria provided, single submitter. Criteria: Ambry Variant Classification Scheme 2023. Collection method: clinical testing. Allele origin: germline.

Labcorp Genetics (formerly Invitae), Labcorp
Classification: Uncertain significance. Last evaluated: 2022-06-12. Review status: criteria provided, single submitter. Criteria: Invitae Variant Classification Sherloc (09022015). Collection method: clinical testing. Allele origin: germline.
Comment: In summary, the available evidence is currently insufficient to determine the role of this variant in disease. Therefore, it has been classified as a Variant of Uncertain Significance. Algorithms developed to predict the effect of missense changes on protein structure and function are either unavailable or do not agree on the potential impact of this missense change (SIFT: "Deleterious"; PolyPhen-2: "Benign"; Align-GVGD: "Class C15"). This variant has not been reported in the literature in individuals affected with MPDZ-related conditions. This variant is present in population databases (rs774082001, gnomAD 0.003%). This sequence change replaces glycine, which is neutral and non-polar, with aspartic acid, which is acidic and polar, at codon 1119 of the MPDZ protein (p.Gly1119Asp).

NM_001378778.1(MPDZ):c.3356G>A (p.Gly1119Asp)

Gene: MPDZ (multiple PDZ domain crumbs cell polarity complex component; minus strand). Cytogenetic location: 9p23.
Variant type: single nucleotide variant.
Coding change: c.3356G>A on transcript NM_001378778.1 (MANE Select); coding-DNA position 3356, G replaced by A.
Protein change: p.Gly1119Asp; replaces glycine 1119 with aspartic acid.
Molecular consequence: missense variant. On other transcripts: intron variant (1).
Genome position (GRCh38, 1-based): chr9:13,162,694, C>T on the plus strand (G>A on the coding strand, the complement: MPDZ is on the minus strand). VCF-style: chr9-13162694-C-T. GRCh37 (hg19) VCF-style: chr9-13162693-C-T.
Other names: c.3356G>A, p.Gly1119Asp (NM_001261406.2, NM_001261407.2, NM_001330637.2 and 13 more transcripts); c.3254+5672G>A (NM_001375427.1); c.3356G>A (NM_003829.3); short protein forms G1119D.
Identifiers: ClinVar variation 1969464 (VCV001969464.6), dbSNP rs774082001, ClinGen allele CA4987159.